The following is an entry in ClinVar:

ClinVar aggregate classification (germline): Conflicting classifications of pathogenicity. Review status: criteria provided, conflicting classifications (1 of 4 stars). 3 submissions from 3 submitters: Likely pathogenic (2); Uncertain significance (1). Last evaluated 2024-03-22.

Conditions:
PMM2-congenital disorder of glycosylation. Also called: PHOSPHOMANNOMUTASE 2 DEFICIENCY; JAEKEN SYNDROME; CARBOHYDRATE-DEFICIENT GLYCOPROTEIN SYNDROME, TYPE Ia; Congenital disorder of glycosylation, type Ia; PMM2-CDG; CDG Ia. Identifiers: Orphanet 79318, MedGen C0349653, MONDO:0008907, OMIM 212065.

Submissions (3):

Women's Health and Genetics/Laboratory Corporation of America, LabCorp
Classification: Likely pathogenic for PMM2-congenital disorder of glycosylation. Last evaluated: 2024-03-22. Review status: criteria provided, single submitter. Criteria: LabCorp Variant Classification Summary - May 2015. Collection method: clinical testing. Allele origin: germline.
Comment: Variant summary: PMM2 c.686A>C (p.Tyr229Ser) results in a non-conservative amino acid change in the encoded protein sequence. Four of five in-silico tools predict a damaging effect of the variant on protein function. The variant was absent in 251276 control chromosomes (gnomAD). c.686A>C has been reported in the literature in individuals affected with Congenital Disorder Of Glycosylation Type 1a (Mattijs_1998, Kondo_1999, Dang Do_2023). These data indicate that the variant is likely to be associated with disease. To our knowledge, no experimental evidence demonstrating an impact on protein function has been reported. The following publications have been ascertained in the context of this evaluation (PMID: 9497260, 10066032, 36719165). ClinVar contains an entry for this variant (Variation ID: 92806). Based on the evidence outlined above, the variant was classified as likely pathogenic.

Fulgent Genetics
Classification: Likely pathogenic for PMM2-congenital disorder of glycosylation. Last evaluated: 2024-03-21. Review status: criteria provided, single submitter. Criteria: ACMG Guidelines, 2015. Collection method: clinical testing. Allele origin: germline.

Eurofins Ntd Llc (ga)
Classification: Uncertain significance. Last evaluated: 2013-06-12. Review status: criteria provided, single submitter. Criteria: EGL Classification Definitions 2015. Collection method: clinical testing. Allele origin: germline. Observed: 3 variant alleles, 3 heterozygotes.

Literature cited by the submitters: PubMed 9497260 (cited by Women's Health and Genetics/Laboratory Corporation of America, LabCorp and Eurofins Ntd Llc (ga)); PubMed 10066032 (cited by Women's Health and Genetics/Laboratory Corporation of America, LabCorp); PubMed 36719165 (cited by Women's Health and Genetics/Laboratory Corporation of America, LabCorp).

NM_000303.3(PMM2):c.686A>C (p.Tyr229Ser)

Gene: PMM2 (phosphomannomutase 2; plus strand). Cytogenetic location: 16p13.2.
Variant type: single nucleotide variant.
Coding change: c.686A>C on transcript NM_000303.3 (MANE Select); coding-DNA position 686, A replaced by C.
Protein change: p.Tyr229Ser; replaces tyrosine 229 with serine.
Molecular consequence: missense variant.
Genome position (GRCh38, 1-based): chr16:8,847,770, A>C. VCF-style: chr16-8847770-A-C. GRCh37 (hg19) VCF-style: chr16-8941627-A-C.
Other names: short protein forms Y229S.
Identifiers: ClinVar variation 92806 (VCV000092806.8), dbSNP rs398123311, ClinGen allele CA220627.